The following is an entry in ClinVar:

ClinVar aggregate classification (germline): Benign/Likely benign. Review status: criteria provided, multiple submitters, no conflicts (2 of 4 stars). 3 submissions from 3 submitters: Benign (1); Likely benign (2). Last evaluated 2025-04-27.

Conditions:
Pheochromocytoma/paraganglioma syndrome 5. Also called: Paragangliomas 5; SDHA-Related Hereditary Paraganglioma-Pheochromocytoma Syndrome. Identifiers: Orphanet 29072, MedGen C3279992, MONDO:0013602, OMIM 614165.
Mitochondrial complex II deficiency, nuclear type 1. Also called: SUCCINATE CoQ REDUCTASE DEFICIENCY. Identifiers: Orphanet 3208, MedGen C5700310, MONDO:0100294, OMIM 252011.
Hereditary cancer-predisposing syndrome. Also called: Tumor predisposition; Hereditary Cancer Syndrome; Hereditary neoplastic syndrome; Neoplastic Syndromes, Hereditary. Identifiers: Orphanet 140162, MedGen C0027672, MeSH D009386, MONDO:0015356.

Submissions (3):

Labcorp Genetics (formerly Invitae), Labcorp
Classification: Likely benign for Pheochromocytoma/paraganglioma syndrome 5; Mitochondrial complex II deficiency, nuclear type 1. Last evaluated: 2025-04-27. Review status: criteria provided, single submitter. Criteria: Invitae Variant Classification Sherloc (09022015). Collection method: clinical testing. Allele origin: germline.

Myriad Genetics, Inc.
Classification: Benign for Pheochromocytoma/paraganglioma syndrome 5. Last evaluated: 2025-03-11. Review status: criteria provided, single submitter. Criteria: Myriad Autosomal Dominant, Autosomal Recessive and X-Linked Classification Criteria (2023). Collection method: clinical testing. Allele origin: unknown.
Comment: This variant is considered benign. This variant is a silent/synonymous amino acid change and it is not expected to impact splicing.

Ambry Genetics
Classification: Likely benign for Hereditary cancer-predisposing syndrome. Last evaluated: 2020-06-08. Review status: criteria provided, single submitter. Criteria: Ambry Variant Classification Scheme 2023. Collection method: clinical testing. Allele origin: germline.

NM_004168.4(SDHA):c.1737C>A (p.Ile579=)

Gene: SDHA (succinate dehydrogenase complex flavoprotein subunit A; plus strand). Cytogenetic location: 5p15.33.
Variant type: single nucleotide variant.
Coding change: c.1737C>A on transcript NM_004168.4 (MANE Select); coding-DNA position 1737, C replaced by A.
Protein change: p.Ile579=; no amino-acid change (isoleucine 579 retained).
Molecular consequence: synonymous variant. On other transcripts: intron variant (1).
Genome position (GRCh38, 1-based): chr5:251,411, C>A. VCF-style: chr5-251411-C-A. GRCh37 (hg19) VCF-style: chr5-251526-C-A.
Other names: c.1593C>A, p.Ile531= (NM_001294332.2); c.1552-2982C>A (NM_001330758.2).
Identifiers: ClinVar variation 1779103 (VCV001779103.6), dbSNP rs201454617, ClinGen allele CA442657742.
Genomic context (GRCh38, chr5:251,411, plus strand): 5'-CACGGACCTGGTGGAGACCCTGGAGCTGCAGAACCTGATGCTGTGTGCGCTGCAGACCAT[C>A]TACGGAGCAGAGGCACGGAAGGAGTCACGGGGCGCGCATGCCAGGGAAGACTACAAGGTG-3'
Protein context (NP_004159.2, residues 569-589): QNLMLCALQT[Ile579=]YGAEARKESR